The following is an entry in ClinVar:

NM_000361.3(THBD):c.1197C>G (p.His399Gln)

Gene: THBD (thrombomodulin; minus strand). Cytogenetic location: 20p11.21.
Variant type: single nucleotide variant.
Coding change: c.1197C>G on transcript NM_000361.3 (MANE Select); coding-DNA position 1197, C replaced by G.
Protein change: p.His399Gln; replaces histidine 399 with glutamine.
Molecular consequence: missense variant.
Genome position (GRCh38, 1-based): chr20:23,048,308, G>C on the plus strand (C>G on the coding strand, the complement: THBD is on the minus strand). VCF-style: chr20-23048308-G-C. GRCh37 (hg19) VCF-style: chr20-23028945-G-C.
Other names: short protein forms H399Q.
Identifiers: ClinVar variation 2814647 (VCV002814647.3), dbSNP rs774012895, ClinGen allele CA408406054.

ClinVar aggregate classification (germline): Uncertain significance (1 of 4 stars; one submission).

gnomAD v4.1: 2 of 1,613,894 alleles (0.00012%); highest among the groups gnomAD compares: Non-Finnish European, 0.00017%; no homozygotes.

Submission:

Labcorp Genetics (formerly Invitae), Labcorp
Classification: Uncertain significance. Last evaluated: 2022-11-24. Review status: criteria provided, single submitter. Criteria: Invitae Variant Classification Sherloc (09022015). Collection method: clinical testing. Allele origin: germline.
Comment: Advanced modeling of protein sequence and biophysical properties (such as structural, functional, and spatial information, amino acid conservation, physicochemical variation, residue mobility, and thermodynamic stability) performed at Invitae indicates that this missense variant is not expected to disrupt THBD protein function. This sequence change replaces histidine, which is basic and polar, with glutamine, which is neutral and polar, at codon 399 of the THBD protein (p.His399Gln). This variant is not present in population databases (gnomAD no frequency). This variant has not been reported in the literature in individuals affected with THBD-related conditions. In summary, the available evidence is currently insufficient to determine the role of this variant in disease. Therefore, it has been classified as a Variant of Uncertain Significance.